The following is an entry in ClinVar:

ClinVar aggregate classification (germline): Likely pathogenic (1 of 4 stars; one submission).

Conditions:
Coffin-Siris syndrome 12. Identifiers: MedGen C5444111, MONDO:0025699, OMIM 619325.

Submission:

Servicio de Genética Del Instituto Nacional de Salud Del Niño, Ministerio de Salud
Classification: Likely pathogenic for Coffin-Siris syndrome 12. Last evaluated: 2024-11-18. Review status: criteria provided, single submitter. Criteria: ACMG Guidelines, 2015. Collection method: clinical testing. Allele origin: germline. Inheritance: Autosomal dominant inheritance. Affected: yes.
Comment: The variant NM_001394372.1:c.2753_2754insC (p.Lys918Asnfs*14) introduces an insertion of a cytosine, resulting in a frameshift and a premature stop codon 14 amino acids downstream. This is predicted to cause nonsense-mediated decay (NMD) or a truncated protein. According to ACMG/AMP guidelines, this variant meets the criteria for PVS1 and PM2, supporting its classification as likely pathogenic

NM_001394372.1(BICRA):c.2753_2754insC (p.Lys918fs)

Gene: BICRA (BRD4 interacting chromatin remodeling complex associated protein; plus strand). Cytogenetic location: 19q13.33.
Variant type: Insertion.
Coding change: c.2753_2754insC on transcript NM_001394372.1 (MANE Select); coding-DNA positions 2753 to 2754, C inserted.
Protein change: p.Lys918fs; shifts the reading frame from lysine 918.
Molecular consequence: frameshift variant.
Genome position: GRCh38 VCF-style: chr19-47694584-A-AC. GRCh37 (hg19) VCF-style: chr19-48197841-A-AC.
Other names: c.2753_2754insC, p.Lys918fs (NM_015711.3); short protein forms K918fs.
Identifiers: ClinVar variation 3381238 (VCV003381238.2).
Genomic context (GRCh38, chr19:47,694,584, plus strand): 5'-TGCCAGCCCCTACGCCATCCGACTTCCAGCTCCAGTTCCCACCCAGCCAGGGGCCCCACA[A>AC]GTCCCCCACTCCCCCTCCAACCCTCCACCTGGTCCCTGAGCCGGCAGCACCCCCCCCACC-3'